The following is an entry in ClinVar:

NM_000136.3(FANCC):c.-61C>G

Gene: FANCC (FA complementation group C; minus strand). Cytogenetic location: 9q22.32.
Variant type: single nucleotide variant.
Coding change: c.-61C>G on transcript NM_000136.3 (MANE Select); 61 bases upstream of the start codon, C replaced by G.
Molecular consequence: 5 prime UTR variant.
Genome position (GRCh38, 1-based): chr9:95,249,352, G>C on the plus strand (C>G on the coding strand, the complement: FANCC is on the minus strand). VCF-style: chr9-95249352-G-C. GRCh37 (hg19) VCF-style: chr9-98011634-G-C.
Other names: c.-61C>G (NM_001243743.2, NM_001243744.2).
Identifiers: ClinVar variation 377838 (VCV000377838.9), dbSNP rs1048489323, ClinGen allele CA16605907.

ClinVar aggregate classification (germline): Likely benign. Review status: criteria provided, multiple submitters, no conflicts (2 of 4 stars). 2 submissions from 2 submitters: Likely benign (2). Last evaluated 2023-11-29.

Conditions:
Fanconi anemia (FA). Also called: Fanconi's anemia. Identifiers: Orphanet 84, MedGen C0015625, MeSH D005199, MONDO:0019391.

Allele frequency attached by ClinVar (database versions not stated): gnomAD 0.00001; TOPMed 0.00004.

Submissions (2):

Labcorp Genetics (formerly Invitae), Labcorp
Classification: Likely benign for Fanconi anemia. Last evaluated: 2023-11-29. Review status: criteria provided, single submitter. Criteria: Invitae Variant Classification Sherloc (09022015). Collection method: clinical testing. Allele origin: germline.

GeneDx
Classification: Likely benign. Last evaluated: 2015-11-17. Review status: criteria provided, single submitter. Criteria: GeneDx Variant Classification (06012015). Collection method: clinical testing. Allele origin: germline. Affected: yes.
Comment: This variant is considered likely benign or benign based on one or more of the following criteria: it is a conservative change, it occurs at a poorly conserved position in the protein, it is predicted to be benign by multiple in silico algorithms, and/or has population frequency not consistent with disease.